The following is an entry in ClinVar:

ClinVar aggregate classification (germline): Uncertain significance (0 of 4 stars; one submission).

Conditions:
HSD3B7-related disorder. Also called: HSD3B7-related condition.

Submission:

PreventionGenetics, part of Exact Sciences
Classification: Uncertain significance for HSD3B7-related condition. Last evaluated: 2024-04-19. Review status: no assertion criteria provided. Collection method: clinical testing. Allele origin: germline.
Comment: The HSD3B7 c.464A>T variant is predicted to result in the amino acid substitution p.His155Leu. To our knowledge, this variant has not been reported in the literature or in a large population database, indicating this variant is rare. At this time, the clinical significance of this variant is uncertain due to the absence of conclusive functional and genetic evidence.

NM_025193.4(HSD3B7):c.464A>T (p.His155Leu)

Gene: HSD3B7 (hydroxy-delta-5-steroid dehydrogenase, 3 beta- and steroid delta-isomerase 7; plus strand). Cytogenetic location: 16p11.2.
Variant type: single nucleotide variant.
Coding change: c.464A>T on transcript NM_025193.4 (MANE Select); coding-DNA position 464, A replaced by T.
Protein change: p.His155Leu; replaces histidine 155 with leucine.
Molecular consequence: missense variant.
Genome position (GRCh38, 1-based): chr16:30,986,637, A>T. VCF-style: chr16-30986637-A-T. GRCh37 (hg19) VCF-style: chr16-30997958-A-T.
Other names: c.464A>T, p.His155Leu (NM_001142777.2, NM_001142778.2); short protein forms H155L.
Identifiers: ClinVar variation 3344816 (VCV003344816.1).